The following is an entry in ClinVar:

ClinVar aggregate classification (germline): Uncertain significance (1 of 4 stars; one submission).

Allele frequency attached by ClinVar (database versions not stated): gnomAD 0.00001; gnomAD exomes 0.00001.
gnomAD v4.1: 6 of 1,613,928 alleles (0.00037%); highest among the groups gnomAD compares: Admixed American, 0.01%; no homozygotes.

Submission:

Labcorp Genetics (formerly Invitae), Labcorp
Classification: Uncertain significance. Last evaluated: 2023-03-27. Review status: criteria provided, single submitter. Criteria: Invitae Variant Classification Sherloc (09022015). Collection method: clinical testing. Allele origin: germline.
Comment: In summary, the available evidence is currently insufficient to determine the role of this variant in disease. Therefore, it has been classified as a Variant of Uncertain Significance. Advanced modeling of protein sequence and biophysical properties (such as structural, functional, and spatial information, amino acid conservation, physicochemical variation, residue mobility, and thermodynamic stability) has been performed at Invitae for this missense variant, however the output from this modeling did not meet the statistical confidence thresholds required to predict the impact of this variant on TGFB1 protein function. This variant has not been reported in the literature in individuals affected with TGFB1-related conditions. This variant is present in population databases (no rsID available, gnomAD 0.01%). This sequence change replaces valine, which is neutral and non-polar, with glycine, which is neutral and non-polar, at codon 204 of the TGFB1 protein (p.Val204Gly).

NM_000660.7(TGFB1):c.611T>G (p.Val204Gly)

Gene: TGFB1 (transforming growth factor beta 1; minus strand). Cytogenetic location: 19q13.2.
Variant type: single nucleotide variant.
Coding change: c.611T>G on transcript NM_000660.7 (MANE Select); coding-DNA position 611, T replaced by G.
Protein change: p.Val204Gly; replaces valine 204 with glycine.
Molecular consequence: missense variant.
Genome position (GRCh38, 1-based): chr19:41,344,770, A>C on the plus strand (T>G on the coding strand, the complement: TGFB1 is on the minus strand). VCF-style: chr19-41344770-A-C. GRCh37 (hg19) VCF-style: chr19-41850675-A-C.
Other names: short protein forms V204G.
Identifiers: ClinVar variation 2986565 (VCV002986565.3), dbSNP rs1309411459, ClinGen allele CA406003065.